The following is an entry in ClinVar:

NM_003480.4(MFAP5):c.143T>C (p.Leu48Pro)

Gene: MFAP5 (microfibril associated protein 5; minus strand). Cytogenetic location: 12p13.31.
Variant type: single nucleotide variant.
Coding change: c.143T>C on transcript NM_003480.4 (MANE Select); coding-DNA position 143, T replaced by C.
Protein change: p.Leu48Pro; replaces leucine 48 with proline.
Molecular consequence: missense variant. On other transcripts: non-coding transcript variant (2).
Genome position (GRCh38, 1-based): chr12:8,655,444, A>G on the plus strand (T>C on the coding strand, the complement: MFAP5 is on the minus strand). VCF-style: chr12-8655444-A-G. GRCh37 (hg19) VCF-style: chr12-8808040-A-G.
Other names: c.143T>C, p.Leu48Pro (NM_001297709.2, NM_001297711.2, NM_001297712.2); c.107T>C, p.Leu36Pro (NM_001297710.2); short protein forms L36P, L48P.
Identifiers: ClinVar variation 1772686 (VCV001772686.6), dbSNP rs1410933731, ClinGen allele CA384039447.

ClinVar aggregate classification (germline): Uncertain significance. Review status: criteria provided, multiple submitters, no conflicts (2 of 4 stars). 3 submissions from 3 submitters: Uncertain significance (3). Last evaluated 2025-12-03.

Conditions:
Cardiovascular phenotype. Identifiers: MedGen CN230736.

Allele frequency attached by ClinVar (database versions not stated): gnomAD 0.00001.
gnomAD v4.1: 42 of 1,607,808 alleles (0.0026%); highest among the groups gnomAD compares: Non-Finnish European, 0.0034%; no homozygotes.

Submissions (3):

Labcorp Genetics (formerly Invitae), Labcorp
Classification: Uncertain significance. Last evaluated: 2025-12-03. Review status: criteria provided, single submitter. Criteria: Invitae Variant Classification Sherloc (09022015). Collection method: clinical testing. Allele origin: germline.
Comment: This sequence change replaces leucine, which is neutral and non-polar, with proline, which is neutral and non-polar, at codon 48 of the MFAP5 protein (p.Leu48Pro). This variant is present in population databases (no rsID available, gnomAD 0.002%). This variant has not been reported in the literature in individuals affected with MFAP5-related conditions. ClinVar contains an entry for this variant (Variation ID: 1772686). An algorithm developed to predict the effect of missense changes on protein structure and function (PolyPhen-2) suggests that this variant is likely to be disruptive. In summary, the available evidence is currently insufficient to determine the role of this variant in disease. Therefore, it has been classified as a Variant of Uncertain Significance.

Blueprint Genetics
Classification: Uncertain significance. Last evaluated: 2021-02-11. Review status: criteria provided, single submitter. Criteria: ACMG Guidelines, 2015. Collection method: clinical testing. Allele origin: germline.

Ambry Genetics
Classification: Uncertain significance for Cardiovascular phenotype. Last evaluated: 2021-01-13. Review status: criteria provided, single submitter. Criteria: Ambry Variant Classification Scheme 2023. Collection method: clinical testing. Allele origin: germline.
Comment: The p.L48P variant (also known as c.143T>C), located in coding exon 4 of the MFAP5 gene, results from a T to C substitution at nucleotide position 143. The leucine at codon 48 is replaced by proline, an amino acid with similar properties. This amino acid position is highly conserved in available vertebrate species. In addition, this alteration is predicted to be deleterious by in silico analysis. Since supporting evidence is limited at this time, the clinical significance of this alteration remains unclear.